The following is an entry in ClinVar:

NM_001378189.1(CFAP57):c.1692C>T (p.Pro564=)

Genes: CFAP57 (cilia and flagella associated protein 57; plus strand), EBNA1BP2 (EBNA1 binding protein 2; minus strand), LOC105378685 (uncharacterized LOC105378685; minus strand), LOC126805719 (P300/CBP strongly-dependent group 1 enhancer GRCh37_chr1:43671864-43673063; plus strand). Cytogenetic location: 1p34.2.
Variant type: single nucleotide variant.
Coding change: c.1692C>T on transcript NM_001378189.1 (MANE Select); coding-DNA position 1692, C replaced by T.
Protein change: p.Pro564=; no amino-acid change (proline 564 retained).
Molecular consequence: synonymous variant.
Genome position (GRCh38, 1-based): chr1:43,206,869, C>T. VCF-style: chr1-43206869-C-T. GRCh37 (hg19) VCF-style: chr1-43672540-C-T.
Other names: c.1692C>T, p.Pro564= (NM_001167965.1, NM_001195831.3, NM_152498.3).
Identifiers: ClinVar variation 2638740 (VCV002638740.24), dbSNP rs143175489, ClinGen allele CA804727.

ClinVar aggregate classification (germline): Likely benign (1 of 4 stars; one submission).

Allele frequency attached by ClinVar (database versions not stated): ESP Exome Variant Server 0.00023; TOPMed 0.00028; gnomAD 0.00029; ExAC 0.00037; 1000 Genomes Project 0.00060; 1000 Genomes Project 30x 0.00078.
gnomAD v4.1: 413 of 1,614,142 alleles (0.026%); highest among the groups gnomAD compares: East Asian, 0.28%; no homozygotes.

Submission:

CeGaT Center for Human Genetics Tuebingen
Classification: Likely benign. Last evaluated: 2022-10-01. Review status: criteria provided, single submitter. Criteria: CeGaT Center For Human Genetics Tuebingen Variant Classification Criteria Version 2. Collection method: clinical testing. Allele origin: germline. Affected: yes. Observed: 1 variant allele.
Comment: CFAP57: BP4, BP7